The following is an entry in ClinVar:

ClinVar aggregate classification (germline): Likely pathogenic (1 of 4 stars; one submission).

Conditions:
X-linked immunodeficiency with magnesium defect, Epstein-Barr virus infection and neoplasia. Identifiers: Orphanet 317476, MedGen C3275445, MONDO:0010455, OMIM 300853.

Submission:

Labcorp Genetics (formerly Invitae), Labcorp
Classification: Likely pathogenic for X-linked immunodeficiency with magnesium defect, Epstein-Barr virus infection and neoplasia. Last evaluated: 2021-11-18. Review status: criteria provided, single submitter. Criteria: Invitae Variant Classification Sherloc (09022015). Collection method: clinical testing. Allele origin: germline.
Comment: In summary, the currently available evidence indicates that the variant is pathogenic, but additional data are needed to prove that conclusively. Therefore, this variant has been classified as Likely Pathogenic. Algorithms developed to predict the effect of sequence changes on RNA splicing suggest that this variant may disrupt the consensus splice site. This variant has not been reported in the literature in individuals affected with MAGT1-related conditions. This variant is not present in population databases (gnomAD no frequency). This sequence change affects an acceptor splice site in intron 5 of the MAGT1 gene. It is expected to disrupt RNA splicing. Variants that disrupt the donor or acceptor splice site typically lead to a loss of protein function (PMID: 16199547), and loss-of-function variants in MAGT1 are known to be pathogenic (PMID: 24550228).

Literature cited by the submitters: PubMed 16199547; PubMed 24550228.

NM_001367916.1(MAGT1):c.673-1G>A

Gene: MAGT1 (magnesium transporter 1; minus strand). Cytogenetic location: Xq21.1.
Variant type: single nucleotide variant.
Coding change: c.673-1G>A on transcript NM_001367916.1 (MANE Select); the canonical splice acceptor site of the intron before coding-DNA position 673, G replaced by A.
Molecular consequence: splice acceptor variant.
Genome position (GRCh38, 1-based): chrX:77,855,591, C>T on the plus strand (G>A on the coding strand, the complement: MAGT1 is on the minus strand). VCF-style: chrX-77855591-C-T. GRCh37 (hg19) VCF-style: chrX-77111088-C-T.
Other names: c.769-1G>A (NM_032121.5).
Identifiers: ClinVar variation 1348310 (VCV001348310.6), dbSNP rs2149017840, ClinGen allele CA413713562.
Genomic context (GRCh38, chrX:77,855,591, plus strand): 5'-ATATGGTGGTCCTCTTATATGGTTCCACATTTGACCAGATGTCATAGCAAGCACAAAACA[C>T]TAGGAAACAAAAAAATAATAAAATATTCATGGTCAAACTGTTCTTGTCTTGATTAGATAA-3'